The following is an entry in ClinVar:

ClinVar aggregate classification (germline): Benign/Likely benign. Review status: criteria provided, multiple submitters, no conflicts (2 of 4 stars). 9 submissions from 8 submitters: Benign (2); Likely benign (3). 4 of the submissions do not count toward it. Last evaluated 2026-01-20.

Conditions:
Macular degeneration. Also called: Degenerative disorder of macula. Identifiers: MedGen C0024437, MONDO:0003004, HP:0000608.
Atypical hemolytic-uremic syndrome with B factor anomaly. Also called: HEMOLYTIC UREMIC SYNDROME, ATYPICAL, SUSCEPTIBILITY TO, 4; AHUS, SUSCEPTIBILITY TO, 4. Identifiers: Orphanet 2134, MedGen C2752038, MONDO:0013042, OMIM 612924.
CFB-related disorder. Also called: CFB-related disorders; CFB-related condition.

Allele frequency attached by ClinVar (database versions not stated): 1000 Genomes Project 30x 0.00062; 1000 Genomes Project 0.00080; TOPMed 0.00129; ESP Exome Variant Server 0.00225; gnomAD 0.00285 and 0.00301; gnomAD exomes 0.00304 and 0.00318; ExAC 0.00319.
gnomAD v4.1: 4,810 of 1,613,072 alleles (0.3%); highest among the groups gnomAD compares: Non-Finnish European, 0.3%; 22 homozygotes.

Submissions (9):

Labcorp Genetics (formerly Invitae), Labcorp
Classification: Benign. Last evaluated: 2026-01-20. Review status: criteria provided, single submitter. Criteria: Invitae Variant Classification Sherloc (09022015). Collection method: clinical testing. Allele origin: germline.

Mayo Clinic Laboratories, Mayo Clinic
Classification: Likely benign. Last evaluated: 2025-07-01. Review status: criteria provided, single submitter. Criteria: ACMG Guidelines, 2015. Collection method: clinical testing. Allele origin: germline. Observed: 12 variant alleles.
Comment: BP4, BP7

Illumina Laboratory Services, Illumina
Classification: Benign for Atypical hemolytic-uremic syndrome with B factor anomaly. Last evaluated: 2018-01-12. Review status: criteria provided, single submitter. Criteria: ICSL Variant Classification Criteria 13 December 2019. Collection method: clinical testing. Allele origin: germline.
Comment: This variant was observed in the ICSL laboratory as part of a predisposition screen in an ostensibly healthy population. It had not been previously curated by ICSL or reported in the Human Gene Mutation Database (HGMD: prior to June 1st, 2018), and was therefore a candidate for classification through an automated scoring system. Utilizing variant allele frequency, disease prevalence and penetrance estimates, and inheritance mode, an automated score was calculated to assess if this variant is too frequent to cause the disease. Based on the score and internal cut-off values, a variant classified as benign is not then subjected to further curation. The score for this variant resulted in a classification of benign for this disease.

Illumina Laboratory Services, Illumina
Classification: Likely benign for Macular degeneration. Last evaluated: 2018-01-12. Review status: criteria provided, single submitter. Criteria: ICSL Variant Classification Criteria 13 December 2019. Collection method: clinical testing. Allele origin: germline.
Comment: This variant was observed in the ICSL laboratory as part of a predisposition screen in an ostensibly healthy population. It had not been previously curated by ICSL or reported in the Human Gene Mutation Database (HGMD: prior to June 1st, 2018), and was therefore a candidate for classification through an automated scoring system. Utilizing variant allele frequency, disease prevalence and penetrance estimates, and inheritance mode, an automated score was calculated to assess if this variant is too frequent to cause the disease. Based on the score and internal cut-off values, a variant classified as likely benign is not then subjected to further curation. The score for this variant resulted in a classification of likely benign for this disease.

Breakthrough Genomics
Classification: Likely benign. Review status: criteria provided, single submitter. Criteria: ACMG Guidelines, 2015. Collection method: not provided. Allele origin: germline. Inheritance: Autosomal recessive inheritance. Affected: yes.

PreventionGenetics, part of Exact Sciences
Classification: Benign for CFB-related condition. Last evaluated: 2024-01-05. Review status: no assertion criteria provided. Collection method: clinical testing. Allele origin: germline. Not counted in ClinVar's aggregate classification.
Comment: This variant is classified as benign based on ACMG/AMP sequence variant interpretation guidelines (Richards et al. 2015 PMID: 25741868, with internal and published modifications).

Clinical Genetics DNA and cytogenetics Diagnostics Lab, Erasmus MC, Erasmus Medical Center
Classification: Likely benign. Review status: no assertion criteria provided. Collection method: clinical testing. Allele origin: germline. Affected: yes. Study: VKGL Data-share Consensus. Not counted in ClinVar's aggregate classification.

Genome Diagnostics Laboratory, University Medical Center Utrecht
Classification: Likely benign. Review status: no assertion criteria provided. Collection method: clinical testing. Allele origin: germline. Affected: yes. Study: VKGL Data-share Consensus. Not counted in ClinVar's aggregate classification.

Joint Genome Diagnostic Labs from Nijmegen and Maastricht, Radboudumc and MUMC+
Classification: Likely benign. Review status: no assertion criteria provided. Collection method: clinical testing. Allele origin: germline. Affected: yes. Study: VKGL Data-share Consensus. Not counted in ClinVar's aggregate classification.

NM_001710.6(CFB):c.1778+9G>A

Gene: CFB (complement factor B; plus strand). Cytogenetic location: 6p21.33.
Variant type: single nucleotide variant.
Coding change: c.1778+9G>A on transcript NM_001710.6 (MANE Select); 9 bases into the intron after coding-DNA position 1778, G replaced by A.
Molecular consequence: intron variant.
Genome position (GRCh38, 1-based): chr6:31,950,781, G>A. VCF-style: chr6-31950781-G-A. GRCh37 (hg19) VCF-style: chr6-31918558-G-A.
Other names: p.?.
Identifiers: ClinVar variation 356293 (VCV000356293.20), dbSNP rs188688680, ClinGen allele CA3728440.